The following is an entry in ClinVar:

ClinVar aggregate classification (germline): Likely pathogenic (1 of 4 stars; one submission).

Conditions:
Hereditary diffuse gastric adenocarcinoma (HDGC). Also called: DIFFUSE GASTRIC AND LOBULAR BREAST CANCER SYNDROME. Identifiers: Orphanet 26106, MedGen C1708349, MONDO:0007648, OMIM 137215.

Submission:

European Reference Network on Genetic Tumour Risk Syndromes (ERN-GENTURIS), i3s - Instituto de Investigação e Inovação em Saúde, University of Porto
Classification: Likely pathogenic for Hereditary diffuse gastric adenocarcinoma. Last evaluated: 2022-08-01. Review status: criteria provided, single submitter. Criteria: Lee et al. (Hum Mutat. 2018). Collection method: clinical testing. Allele origin: germline. Inheritance: Autosomal dominant inheritance. Affected: yes. Study: ERN GENTURIS.
Comment: PVS1_Strong; PS4_Supporting; PM2 (PMID: 30311375)

Literature cited by the submitters: PubMed 36436516; PubMed 28688938.

NM_004360.5(CDH1):c.2440-396_*223del

Gene: CDH1 (cadherin 1; plus strand). Cytogenetic location: 16q22.1.
Variant type: Deletion.
Coding change: c.2440-396_*223del on transcript NM_004360.5 (MANE Select); 396 bases into the intron before coding-DNA position 2440 through 223 bases downstream of the stop codon, 829 bases deleted.
Molecular consequence: splice acceptor variant.
Genome position (GRCh38, 1-based): chr16:68,832,894-68,833,722, 829 bases deleted. GRCh37 (hg19): chr16:68,866,797-68,867,625.
Other names: c.892-396_*223del (NM_001317185.2); c.475-396_*223del (NM_001317186.2); c.2257-396_*223del (NM_001317184.2).
Identifiers: ClinVar variation 2503007 (VCV002503007.1), dbSNP rs2543962978, ClinGen allele CA2580612830.